The following is an entry in ClinVar:

ClinVar aggregate classification (germline): Uncertain significance. Review status: criteria provided, multiple submitters, no conflicts (2 of 4 stars). 3 submissions from 3 submitters: Uncertain significance (3). Last evaluated 2026-02-11.

Conditions:
Predisposition to Wilms tumor.

gnomAD v4.1: 127 of 1,606,846 alleles (0.0079%); highest among the groups gnomAD compares: Non-Finnish European, 0.011%; no homozygotes.

Submissions (3):

St. Jude Molecular Pathology, St. Jude Children's Research Hospital
Classification: Uncertain significance for Predisposition to Wilms tumor. Last evaluated: 2026-02-11. Review status: criteria provided, single submitter. Criteria: St. Jude Assertion Criteria 2020. Collection method: clinical testing. Allele origin: germline.
Comment: The NYNRIN c.5138T>C p.(Leu1713Pro) missense change has a maximum subpopulation frequency of 0.047% in gnomAD v2.1.1. The in silico tool REVEL predicts a benign effect on protein function, but to our knowledge this prediction has not been confirmed by functional studies. To our knowledge, this variant has not been reported in the literature in individuals with Wilms tumor. In summary, the evidence currently available is insufficient to determine the clinical significance of this variant. It has therefore been classified as of uncertain significance.

Ambry Genetics
Classification: Uncertain significance. Last evaluated: 2024-10-08. Review status: criteria provided, single submitter. Criteria: Ambry Variant Classification Scheme 2023. Collection method: clinical testing. Allele origin: germline.

Labcorp Genetics (formerly Invitae), Labcorp
Classification: Uncertain significance. Last evaluated: 2024-06-11. Review status: criteria provided, single submitter. Criteria: Invitae Variant Classification Sherloc (09022015). Collection method: clinical testing. Allele origin: germline.
Comment: This sequence change replaces leucine, which is neutral and non-polar, with proline, which is neutral and non-polar, at codon 1713 of the NYNRIN protein (p.Leu1713Pro). This variant is present in population databases (rs374015737, gnomAD 0.003%). This variant has not been reported in the literature in individuals affected with NYNRIN-related conditions. Experimental studies and prediction algorithms are not available or were not evaluated, and the functional significance of this variant is currently unknown. In summary, the available evidence is currently insufficient to determine the role of this variant in disease. Therefore, it has been classified as a Variant of Uncertain Significance.

NM_025081.3(NYNRIN):c.5138T>C (p.Leu1713Pro)

Gene: NYNRIN (NYN domain and retroviral integrase containing; plus strand). Cytogenetic location: 14q12.
Variant type: single nucleotide variant.
Coding change: c.5138T>C on transcript NM_025081.3 (MANE Select); coding-DNA position 5138, T replaced by C.
Protein change: p.Leu1713Pro; replaces leucine 1713 with proline.
Molecular consequence: missense variant.
Genome position (GRCh38, 1-based): chr14:24,416,887, T>C. VCF-style: chr14-24416887-T-C. GRCh37 (hg19) VCF-style: chr14-24886093-T-C.
Other names: short protein forms L1713P.
Identifiers: ClinVar variation 3409157 (VCV003409157.4).